The following is an entry in ClinVar:

NM_001605.3(AARS1):c.155T>C (p.Ile52Thr)

Gene: AARS1 (alanyl-tRNA synthetase 1; minus strand). Cytogenetic location: 16q22.1.
Variant type: single nucleotide variant.
Coding change: c.155T>C on transcript NM_001605.3 (MANE Select); coding-DNA position 155, T replaced by C.
Protein change: p.Ile52Thr; replaces isoleucine 52 with threonine.
Molecular consequence: missense variant.
Genome position (GRCh38, 1-based): chr16:70,277,144, A>G on the plus strand (T>C on the coding strand, the complement: AARS1 is on the minus strand). VCF-style: chr16-70277144-A-G. GRCh37 (hg19) VCF-style: chr16-70311047-A-G.
Other names: short protein forms I52T.
Identifiers: ClinVar variation 642009 (VCV000642009.9), dbSNP rs200582917, ClinGen allele CA8141190.

ClinVar aggregate classification (germline): Uncertain significance. Review status: criteria provided, multiple submitters, no conflicts (2 of 4 stars). 2 submissions from 2 submitters: Uncertain significance (2). Last evaluated 2025-08-09.

Conditions:
Inborn genetic diseases. Identifiers: MedGen C0950123, MeSH D030342.
Charcot-Marie-Tooth disease type 2. Also called: Charcot-Marie-Tooth type 2. Identifiers: Orphanet 64746, MedGen C0270914, MONDO:0018993.

Allele frequency attached by ClinVar (database versions not stated): gnomAD exomes below 0.00001 and 0.00001; TOPMed below 0.00001; ExAC 0.00002.
gnomAD v4.1: 6 of 1,614,134 alleles (0.00037%); highest among the groups gnomAD compares: Non-Finnish European, 0.00051%; no homozygotes.

Submissions (2):

Labcorp Genetics (formerly Invitae), Labcorp
Classification: Uncertain significance for Charcot-Marie-Tooth disease type 2. Last evaluated: 2025-08-09. Review status: criteria provided, single submitter. Criteria: Invitae Variant Classification Sherloc (09022015). Collection method: clinical testing. Allele origin: germline.
Comment: This sequence change replaces isoleucine, which is neutral and non-polar, with threonine, which is neutral and polar, at codon 52 of the AARS protein (p.Ile52Thr). This variant is present in population databases (rs200582917, gnomAD 0.002%). This variant has not been reported in the literature in individuals affected with AARS-related conditions. ClinVar contains an entry for this variant (Variation ID: 642009). Invitae Evidence Modeling of protein sequence and biophysical properties (such as structural, functional, and spatial information, amino acid conservation, physicochemical variation, residue mobility, and thermodynamic stability) indicates that this missense variant is not expected to disrupt AARS protein function with a negative predictive value of 80%. In summary, the available evidence is currently insufficient to determine the role of this variant in disease. Therefore, it has been classified as a Variant of Uncertain Significance.

Ambry Genetics
Classification: Uncertain significance for Inborn genetic diseases. Last evaluated: 2024-01-31. Review status: criteria provided, single submitter. Criteria: Ambry Variant Classification Scheme 2023. Collection method: clinical testing. Allele origin: germline.